The following is an entry in ClinVar:

ClinVar aggregate classification (germline): Uncertain significance (1 of 4 stars; one submission).

gnomAD v4.1: 11 of 1,613,546 alleles (0.00068%); highest among the groups gnomAD compares: Non-Finnish European, 0.00093%; no homozygotes.

Submission:

Labcorp Genetics (formerly Invitae), Labcorp
Classification: Uncertain significance. Last evaluated: 2020-08-20. Review status: criteria provided, single submitter. Criteria: Invitae Variant Classification Sherloc (09022015). Collection method: clinical testing. Allele origin: germline.
Comment: This sequence change replaces leucine with phenylalanine at codon 134 of the CLCC1 protein (p.Leu134Phe). The leucine residue is moderately conserved and there is a small physicochemical difference between leucine and phenylalanine. This variant is not present in population databases (ExAC no frequency). This variant has not been reported in the literature in individuals with CLCC1-related conditions. Algorithms developed to predict the effect of missense changes on protein structure and function are either unavailable or do not agree on the potential impact of this missense change (SIFT: "Tolerated"; PolyPhen-2: "Probably Damaging"; Align-GVGD: "Class C0"). In summary, the available evidence is currently insufficient to determine the role of this variant in disease. Therefore, it has been classified as a Variant of Uncertain Significance.

NM_001377458.1(CLCC1):c.402G>C (p.Leu134Phe)

Gene: CLCC1 (chloride channel CLIC like 1; minus strand). Cytogenetic location: 1p13.3.
Variant type: single nucleotide variant.
Coding change: c.402G>C on transcript NM_001377458.1 (MANE Select); coding-DNA position 402, G replaced by C.
Protein change: p.Leu134Phe; replaces leucine 134 with phenylalanine.
Molecular consequence: missense variant. On other transcripts: non-coding transcript variant (1), intron variant (3).
Genome position (GRCh38, 1-based): chr1:108,943,995, C>G on the plus strand (G>C on the coding strand, the complement: CLCC1 is on the minus strand). VCF-style: chr1-108943995-C-G. GRCh37 (hg19) VCF-style: chr1-109486617-C-G.
Other names: c.402G>C, p.Leu134Phe (NM_001048210.3, NM_001377459.1, NM_001377460.1 and 8 more transcripts); c.300G>C, p.Leu100Phe (NM_001377469.1); c.111G>C, p.Leu37Phe (NM_001377470.1); c.340-88G>C (NM_015127.5); c.340-2497G>C (NM_001278202.2); c.339+3616G>C (NM_001278203.1); short protein forms L100F, L134F, L37F.
Identifiers: ClinVar variation 1057645 (VCV001057645.5), dbSNP rs771208913, ClinGen allele CA341464391.